The following is an entry in ClinVar:

NM_001352514.2(HLCS):c.1494C>T (p.Asn498=)

Gene: HLCS (holocarboxylase synthetase; minus strand). Cytogenetic location: 21q22.13.
Variant type: single nucleotide variant.
Coding change: c.1494C>T on transcript NM_001352514.2 (MANE Select); coding-DNA position 1494, C replaced by T.
Protein change: p.Asn498=; no amino-acid change (asparagine 498 retained).
Molecular consequence: synonymous variant. On other transcripts: non-coding transcript variant (2).
Genome position (GRCh38, 1-based): chr21:36,930,377, G>A on the plus strand (C>T on the coding strand, the complement: HLCS is on the minus strand). VCF-style: chr21-36930377-G-A. GRCh37 (hg19) VCF-style: chr21-38302677-G-A.
Other names: p.N351N:AAC>AAT; c.1053C>T, p.Asn351= (NM_000411.8, NM_001242784.3, NM_001242785.2 and 4 more transcripts).
Identifiers: ClinVar variation 203767 (VCV000203767.16), dbSNP rs1065759, ClinGen allele CA312619.

ClinVar aggregate classification (germline): Benign. Review status: criteria provided, multiple submitters, no conflicts (2 of 4 stars). 4 submissions from 4 submitters: Benign (3). 1 of the submissions does not count toward it. Last evaluated 2026-02-04.

Conditions:
Holocarboxylase synthetase deficiency. Also called: MULTIPLE CARBOXYLASE DEFICIENCY, EARLY ONSET. Identifiers: Orphanet 79242, MedGen C0268581, MONDO:0009666, OMIM 253270.

Allele frequency attached by ClinVar (database versions not stated): gnomAD exomes 0.00094 and 0.00278; ExAC 0.00369; gnomAD 0.00998 and 0.01068; 1000 Genomes Project 0.01098; TOPMed 0.01104; 1000 Genomes Project 30x 0.01156; ESP Exome Variant Server 0.01346.
gnomAD v4.1: 2,912 of 1,614,184 alleles (0.18%); highest among the groups gnomAD compares: African/African-American, 3.5%; 54 homozygotes.

Submissions (4):

Labcorp Genetics (formerly Invitae), Labcorp
Classification: Benign for Holocarboxylase synthetase deficiency. Last evaluated: 2026-02-04. Review status: criteria provided, single submitter. Criteria: Invitae Variant Classification Sherloc (09022015). Collection method: clinical testing. Allele origin: germline.

Illumina Laboratory Services, Illumina
Classification: Benign for Holocarboxylase synthetase deficiency. Last evaluated: 2018-01-13. Review status: criteria provided, single submitter. Criteria: ICSL Variant Classification Criteria 13 December 2019. Collection method: clinical testing. Allele origin: germline.
Comment: This variant was observed in the ICSL laboratory as part of a predisposition screen in an ostensibly healthy population. It had not been previously curated by ICSL or reported in the Human Gene Mutation Database (HGMD: prior to June 1st, 2018), and was therefore a candidate for classification through an automated scoring system. Utilizing variant allele frequency, disease prevalence and penetrance estimates, and inheritance mode, an automated score was calculated to assess if this variant is too frequent to cause the disease. Based on the score and internal cut-off values, a variant classified as benign is not then subjected to further curation. The score for this variant resulted in a classification of benign for this disease.

GeneDx
Classification: Benign. Last evaluated: 2014-09-11. Review status: criteria provided, single submitter. Criteria: GeneDx Variant Classification (06012015). Collection method: clinical testing. Allele origin: germline. Affected: yes.
Comment: This variant is considered likely benign or benign based on one or more of the following criteria: it is a conservative change, it occurs at a poorly conserved position in the protein, it is predicted to be benign by multiple in silico algorithms, and/or has population frequency not consistent with disease.

Natera, Inc.
Classification: Benign for Holocarboxylase synthetase deficiency. Last evaluated: 2020-09-16. Review status: no assertion criteria provided. Collection method: clinical testing. Allele origin: germline. Not counted in ClinVar's aggregate classification.